The following is an entry in ClinVar:

NM_012309.5(SHANK2):c.5241C>T (p.Pro1747=)

Gene: SHANK2 (SH3 and multiple ankyrin repeat domains 2; minus strand). Cytogenetic location: 11q13.3.
Variant type: single nucleotide variant.
Coding change: c.5241C>T on transcript NM_012309.5 (MANE Select); coding-DNA position 5241, C replaced by T.
Protein change: p.Pro1747=; no amino-acid change (proline 1747 retained).
Molecular consequence: synonymous variant. On other transcripts: non-coding transcript variant (1).
Genome position (GRCh38, 1-based): chr11:70,473,178, G>A on the plus strand (C>T on the coding strand, the complement: SHANK2 is on the minus strand). VCF-style: chr11-70473178-G-A. GRCh37 (hg19) VCF-style: chr11-70319283-G-A.
Other names: c.4104C>T, p.Pro1368= (NM_001379226.1); c.3477C>T, p.Pro1159= (NM_133266.5).
Identifiers: ClinVar variation 3044938 (VCV003044938.1), dbSNP rs782236024, ClinGen allele CA6160739.

ClinVar aggregate classification (germline): Likely benign (1 of 4 stars; one submission).

Conditions:
SHANK2-related disorder.

Allele frequency attached by ClinVar (database versions not stated): TOPMed below 0.00001; gnomAD 0.00001.
gnomAD v4.1: 6 of 1,613,440 alleles (0.00037%); highest among the groups gnomAD compares: Non-Finnish European, 0.00051%; no homozygotes.

Submission:

PreventionGenetics, part of Exact Sciences
Classification: Likely benign for SHANK2-related condition. Last evaluated: 2024-02-26. Review status: criteria provided, single submitter. Criteria: ACMG Guidelines, 2015. Collection method: clinical testing. Allele origin: germline.
Comment: This variant is classified as likely benign based on ACMG/AMP sequence variant interpretation guidelines (Richards et al. 2015 PMID: 25741868, with internal and published modifications).